The following is an entry in ClinVar:

ClinVar aggregate classification (germline): Uncertain significance (1 of 4 stars; one submission).

Submission:

GeneDx
Classification: Uncertain significance. Last evaluated: 2021-04-06. Review status: criteria provided, single submitter. Criteria: GeneDx Variant Classification Process June 2021. Collection method: clinical testing. Allele origin: germline. Affected: yes.
Comment: Not observed in large population cohorts (Lek et al., 2016); In silico analysis supports that this missense variant has a deleterious effect on protein structure/function; Has not been previously published as pathogenic or benign to our knowledge

NM_138691.3(TMC1):c.688C>T (p.Pro230Ser)

Gene: TMC1 (transmembrane channel like 1; plus strand). Cytogenetic location: 9q21.13.
Variant type: single nucleotide variant.
Coding change: c.688C>T on transcript NM_138691.3 (MANE Select); coding-DNA position 688, C replaced by T.
Protein change: p.Pro230Ser; replaces proline 230 with serine.
Molecular consequence: missense variant.
Genome position (GRCh38, 1-based): chr9:72,754,831, C>T. VCF-style: chr9-72754831-C-T. GRCh37 (hg19) VCF-style: chr9-75369747-C-T.
Other names: short protein forms P230S.
Identifiers: ClinVar variation 1314464 (VCV001314464.2), dbSNP rs2118067302, ClinGen allele CA373498488.